The following is an entry in ClinVar:

ClinVar aggregate classification (germline): Uncertain significance (1 of 4 stars; one submission).

Conditions:
Cardiovascular phenotype. Identifiers: MedGen CN230736.

Submission:

Ambry Genetics
Classification: Uncertain significance for Cardiovascular phenotype. Last evaluated: 2024-01-03. Review status: criteria provided, single submitter. Criteria: Ambry Variant Classification Scheme 2023. Collection method: clinical testing. Allele origin: germline.
Comment: The p.D397Y variant (also known as c.1189G>T), located in coding exon 10 of the DSP gene, results from a G to T substitution at nucleotide position 1189. The aspartic acid at codon 397 is replaced by tyrosine, an amino acid with highly dissimilar properties. This amino acid position is conserved. In addition, this alteration is predicted to be deleterious by in silico analysis. Since supporting evidence is limited at this time, the clinical significance of this alteration remains unclear.

NM_004415.4(DSP):c.1189G>T (p.Asp397Tyr)

Gene: DSP (desmoplakin; plus strand). Cytogenetic location: 6p24.3.
Variant type: single nucleotide variant.
Coding change: c.1189G>T on transcript NM_004415.4 (MANE Select); coding-DNA position 1189, G replaced by T.
Protein change: p.Asp397Tyr; replaces aspartic acid 397 with tyrosine.
Molecular consequence: missense variant.
Genome position (GRCh38, 1-based): chr6:7,567,829, G>T. VCF-style: chr6-7567829-G-T. GRCh37 (hg19) VCF-style: chr6-7568062-G-T.
Other names: c.1189G>T, p.Asp397Tyr (NM_001008844.3, NM_001319034.2, NM_001406591.1); short protein forms D397Y.
Identifiers: ClinVar variation 3224210 (VCV003224210.1), dbSNP rs2533881665, ClinGen allele CA362676093.